The following is an entry in ClinVar:

NM_152703.5(SAMD9L):c.4201C>A (p.Gln1401Lys)

Gene: SAMD9L (sterile alpha motif domain containing 9 like; minus strand). Cytogenetic location: 7q21.2.
Variant type: single nucleotide variant.
Coding change: c.4201C>A on transcript NM_152703.5 (MANE Select); coding-DNA position 4201, C replaced by A.
Protein change: p.Gln1401Lys; replaces glutamine 1401 with lysine.
Molecular consequence: missense variant.
Genome position (GRCh38, 1-based): chr7:93,131,771, G>T on the plus strand (C>A on the coding strand, the complement: SAMD9L is on the minus strand). VCF-style: chr7-93131771-G-T. GRCh37 (hg19) VCF-style: chr7-92761084-G-T.
Other names: c.4201C>A, p.Gln1401Lys (NM_001303496.3, NM_001303497.3, NM_001303498.3 and 5 more transcripts); short protein forms Q1401K.
Identifiers: ClinVar variation 4864009 (VCV004864009.1).
Genomic context (GRCh38, chr7:93,131,771, plus strand): 5'-GACTTAGTCCTACAAATTGCAAGACCTCTCGGAGTTGTTTTTTTAGCGTGGTAAGTGGTT[G>T]AATTAACTTGGAGTTGGGCTTTAGACAACTCAGAATAATGTTGGCCAAAATGGAATTTTG-3'
Protein context (NP_689916.2, residues 1391-1411): SCLKPNSKLI[Gln1401Lys]PLTTLKKQLR

ClinVar aggregate classification (germline): Uncertain significance (1 of 4 stars; one submission).

Conditions:
Inborn genetic diseases. Identifiers: MedGen C0950123, MeSH D030342.

Submission:

Ambry Genetics
Classification: Uncertain significance for Inborn genetic diseases. Last evaluated: 2026-05-24. Review status: criteria provided, single submitter. Criteria: Ambry Variant Classification Scheme 2023. Collection method: clinical testing. Allele origin: germline.
Comment: The p.Q1401K variant (also known as c.4201C>A), located in coding exon 1 of the SAMD9L gene, results from a C to A substitution at nucleotide position 4201. The glutamine at codon 1401 is replaced by lysine, an amino acid with similar properties. This amino acid position is conserved. In addition, this alteration is predicted to be tolerated by in silico analysis. Based on the available evidence, the clinical significance of this variant remains unclear.